The following is an entry in ClinVar:

NM_004369.4(COL6A3):c.1163A>G (p.Glu388Gly)

Gene: COL6A3 (collagen type VI alpha 3 chain; minus strand). Cytogenetic location: 2q37.3.
Variant type: single nucleotide variant.
Coding change: c.1163A>G on transcript NM_004369.4 (MANE Select); coding-DNA position 1163, A replaced by G.
Protein change: p.Glu388Gly; replaces glutamic acid 388 with glycine.
Molecular consequence: missense variant. On other transcripts: intron variant (2).
Genome position (GRCh38, 1-based): chr2:237,387,731, T>C on the plus strand (A>G on the coding strand, the complement: COL6A3 is on the minus strand). VCF-style: chr2-237387731-T-C. GRCh37 (hg19) VCF-style: chr2-238296374-T-C.
Other names: c.545A>G, p.Glu182Gly (NM_057165.5, NM_057167.4); c.92-6232A>G (NM_057166.5, NM_057164.5); short protein forms E182G, E388G.
Identifiers: ClinVar variation 3371594 (VCV003371594.2).

ClinVar aggregate classification (germline): Uncertain significance. Review status: criteria provided, multiple submitters, no conflicts (2 of 4 stars). 2 submissions from 2 submitters: Uncertain significance (2). Last evaluated 2024-10-25.

Conditions:
Inborn genetic diseases. Identifiers: MedGen C0950123, MeSH D030342.

gnomAD v4.1: 1 of 1,614,090 alleles (0.000062%); highest among the groups gnomAD compares: South Asian, 0.0011%; no homozygotes.

Submissions (2):

Ambry Genetics
Classification: Uncertain significance for Inborn genetic diseases. Last evaluated: 2024-10-25. Review status: criteria provided, single submitter. Criteria: Ambry Variant Classification Scheme 2023. Collection method: clinical testing. Allele origin: germline.

GeneDx
Classification: Uncertain significance. Last evaluated: 2024-04-08. Review status: criteria provided, single submitter. Criteria: GeneDx Variant Classification Process June 2021. Collection method: clinical testing. Allele origin: germline. Affected: yes.
Comment: Not observed at significant frequency in large population cohorts (gnomAD); In silico analysis supports that this missense variant has a deleterious effect on protein structure/function; Has not been previously published as pathogenic or benign to our knowledge